The following is an entry in ClinVar:

ClinVar aggregate classification (germline): Uncertain significance. Review status: criteria provided, multiple submitters, no conflicts (2 of 4 stars). 2 submissions from 2 submitters: Uncertain significance (2). Last evaluated 2024-03-30.

Conditions:
Hereditary cancer-predisposing syndrome. Also called: Tumor predisposition; Hereditary neoplastic syndrome; Neoplastic Syndromes, Hereditary; Hereditary Cancer Syndrome. Identifiers: Orphanet 140162, MedGen C0027672, MeSH D009386, MONDO:0015356.
Oligodontia-cancer predisposition syndrome. Also called: TOOTH AGENESIS-COLORECTAL CANCER SYNDROME. Identifiers: Orphanet 300576, MedGen C1837750, MONDO:0012075, OMIM 608615. Disease mechanism: loss of function.

Allele frequency attached by ClinVar (database versions not stated): TOPMed below 0.00001.

Submissions (2):

Ambry Genetics
Classification: Uncertain significance for Hereditary cancer-predisposing syndrome. Last evaluated: 2024-03-30. Review status: criteria provided, single submitter. Criteria: Ambry Variant Classification Scheme 2023. Collection method: clinical testing. Allele origin: germline.
Comment: The p.Y831C variant (also known as c.2492A>G), located in coding exon 10 of the AXIN2 gene, results from an A to G substitution at nucleotide position 2492. The tyrosine at codon 831 is replaced by cysteine, an amino acid with highly dissimilar properties. This amino acid position is conserved. In addition, this alteration is predicted to be deleterious by in silico analysis. Based on the available evidence, the clinical significance of this alteration remains unclear.

Labcorp Genetics (formerly Invitae), Labcorp
Classification: Uncertain significance for Oligodontia-cancer predisposition syndrome. Last evaluated: 2020-02-02. Review status: criteria provided, single submitter. Criteria: Invitae Variant Classification Sherloc (09022015). Collection method: clinical testing. Allele origin: germline.
Comment: In summary, the available evidence is currently insufficient to determine the role of this variant in disease. Therefore, it has been classified as a Variant of Uncertain Significance. Algorithms developed to predict the effect of missense changes on protein structure and function (SIFT, PolyPhen-2, Align-GVGD) all suggest that this variant is likely to be disruptive, but these predictions have not been confirmed by published functional studies and their clinical significance is uncertain. This variant has not been reported in the literature in individuals with AXIN2-related conditions. This variant is not present in population databases (ExAC no frequency). This sequence change replaces tyrosine with cysteine at codon 831 of the AXIN2 protein (p.Tyr831Cys). The tyrosine residue is highly conserved and there is a large physicochemical difference between tyrosine and cysteine.

NM_004655.4(AXIN2):c.2492A>G (p.Tyr831Cys)

Gene: AXIN2 (axin 2; minus strand). Cytogenetic location: 17q24.1.
Variant type: single nucleotide variant.
Coding change: c.2492A>G on transcript NM_004655.4 (MANE Select); coding-DNA position 2492, A replaced by G.
Protein change: p.Tyr831Cys; replaces tyrosine 831 with cysteine.
Molecular consequence: missense variant.
Genome position (GRCh38, 1-based): chr17:65,530,016, T>C on the plus strand (A>G on the coding strand, the complement: AXIN2 is on the minus strand). VCF-style: chr17-65530016-T-C. GRCh37 (hg19) VCF-style: chr17-63526134-T-C.
Other names: c.2492A>G (NM_004655.3); c.2297A>G, p.Tyr766Cys (NM_001363813.1); short protein forms Y766C, Y831C.
Identifiers: ClinVar variation 1008787 (VCV001008787.10), dbSNP rs2043790084, ClinGen allele CA400674791.